The following is an entry in ClinVar:

ClinVar aggregate classification (germline): Uncertain significance (1 of 4 stars; one submission).

Submission:

Labcorp Genetics (formerly Invitae), Labcorp
Classification: Uncertain significance. Last evaluated: 2024-12-03. Review status: criteria provided, single submitter. Criteria: Invitae Variant Classification Sherloc (09022015). Collection method: clinical testing. Allele origin: germline.
Comment: This sequence change replaces aspartic acid, which is acidic and polar, with tyrosine, which is neutral and polar, at codon 160 of the PPP2CA protein (p.Asp160Tyr). This variant is not present in population databases (gnomAD no frequency). This variant has not been reported in the literature in individuals affected with PPP2CA-related conditions. Invitae Evidence Modeling of protein sequence and biophysical properties (such as structural, functional, and spatial information, amino acid conservation, physicochemical variation, residue mobility, and thermodynamic stability) has been performed for this missense variant. However, the output from this modeling did not meet the statistical confidence thresholds required to predict the impact of this variant on PPP2CA protein function. In summary, the available evidence is currently insufficient to determine the role of this variant in disease. Therefore, it has been classified as a Variant of Uncertain Significance.

NM_002715.4(PPP2CA):c.478G>T (p.Asp160Tyr)

Gene: PPP2CA (protein phosphatase 2 catalytic subunit alpha; minus strand). Cytogenetic location: 5q31.1.
Variant type: single nucleotide variant.
Coding change: c.478G>T on transcript NM_002715.4 (MANE Select); coding-DNA position 478, G replaced by T.
Protein change: p.Asp160Tyr; replaces aspartic acid 160 with tyrosine.
Molecular consequence: missense variant. On other transcripts: non-coding transcript variant (1).
Genome position (GRCh38, 1-based): chr5:134,201,856, C>A on the plus strand (G>T on the coding strand, the complement: PPP2CA is on the minus strand). VCF-style: chr5-134201856-C-A. GRCh37 (hg19) VCF-style: chr5-133537547-C-A.
Other names: c.283G>T, p.Asp95Tyr (NM_001355019.2); short protein forms D160Y, D95Y.
Identifiers: ClinVar variation 3717243 (VCV003717243.2).